The following is an entry in ClinVar:

NM_019077.3(UGT1A7):c.769T>G (p.Phe257Val)

Genes: UGT1A (UDP glucuronosyltransferase family 1 member A complex locus; plus strand), UGT1A10 (UDP glucuronosyltransferase family 1 member A10; plus strand), UGT1A7 (UDP glucuronosyltransferase family 1 member A7; plus strand), UGT1A8 (UDP glucuronosyltransferase family 1 member A8; plus strand), UGT1A9 (UDP glucuronosyltransferase family 1 member A9; plus strand). Cytogenetic location: 2q37.1.
Variant type: single nucleotide variant.
Coding change: c.769T>G on transcript NM_019077.3 (MANE Select); coding-DNA position 769, T replaced by G.
Protein change: p.Phe257Val; replaces phenylalanine 257 with valine.
Molecular consequence: missense variant. On other transcripts: intron variant (3).
Genome position (GRCh38, 1-based): chr2:233,682,706, T>G. VCF-style: chr2-233682706-T-G. GRCh37 (hg19) VCF-style: chr2-234591352-T-G.
Other names: c.855+64144T>G (NM_019076.5); c.855+45329T>G (NM_019075.4); c.855+9917T>G (NM_021027.3); short protein forms F257V.
Identifiers: ClinVar variation 3766904 (VCV003766904.1).

ClinVar aggregate classification (germline): Uncertain significance (1 of 4 stars; one submission).

gnomAD v4.1: 142 of 1,613,896 alleles (0.0088%); highest among the groups gnomAD compares: Middle Eastern, 0.12%; no homozygotes.

Submission:

ARUP Laboratories, Molecular Genetics and Genomics, ARUP Laboratories
Classification: Uncertain significance. Last evaluated: 2024-10-16. Review status: criteria provided, single submitter. Criteria: ARUP Molecular Germline Variant Investigation Process 2024. Collection method: clinical testing. Allele origin: germline.
Comment: The UGT1A7 c.769T>G; p.Phe257Val variant (rs200834770), to our knowledge, is not reported in the medical literature or gene specific databases. This variant is found primarily in the non-Finnish European population with an allele frequency of 0.02% (28/128,724 alleles) in the Genome Aggregation Database (v2.1.1). Computational analyses are uncertain whether this variant is neutral or deleterious (REVEL: 0.673). Due to limited information, the clinical significance of this variant is uncertain at this time.